The following is an entry in ClinVar:

NM_000388.4(CASR):c.1033A>G (p.Asn345Asp)

Gene: CASR (calcium sensing receptor; plus strand). Cytogenetic location: 3q21.1.
Variant type: single nucleotide variant.
Coding change: c.1033A>G on transcript NM_000388.4 (MANE Select); coding-DNA position 1033, A replaced by G.
Protein change: p.Asn345Asp; replaces asparagine 345 with aspartic acid.
Molecular consequence: missense variant.
Genome position (GRCh38, 1-based): chr3:122,262,068, A>G. VCF-style: chr3-122262068-A-G. GRCh37 (hg19) VCF-style: chr3-121980915-A-G.
Other names: c.1033A>G, p.Asn345Asp (NM_001178065.2); short protein forms N345D.
Identifiers: ClinVar variation 1361192 (VCV001361192.10), dbSNP rs760506005, ClinGen allele CA2569582.

ClinVar aggregate classification (germline): Uncertain significance. Review status: criteria provided, multiple submitters, no conflicts (2 of 4 stars). 3 submissions from 3 submitters: Uncertain significance (3). Last evaluated 2024-04-01.

Conditions:
Nephrolithiasis/nephrocalcinosis. Identifiers: MedGen CN580796.
Familial hypocalciuric hypercalcemia (FHH). Also called: Familial benign hypercalcemia. Identifiers: Orphanet 405, MedGen C1809471, MONDO:0018458.
Autosomal dominant hypocalcemia 1 (HYPOC1). Also called: HYPOCALCEMIA, FAMILIAL. Identifiers: MedGen C3715128, MONDO:0011013, OMIM 601198.

Allele frequency attached by ClinVar (database versions not stated): gnomAD exomes below 0.00001; ExAC 0.00001; gnomAD 0.00003; TOPMed 0.00003.
gnomAD v4.1: 7 of 1,614,064 alleles (0.00043%); highest among the groups gnomAD compares: African/African-American, 0.0067%; no homozygotes.

Submissions (3):

Labcorp Genetics (formerly Invitae), Labcorp
Classification: Uncertain significance for Familial hypocalciuric hypercalcemia; Autosomal dominant hypocalcemia 1. Last evaluated: 2024-04-01. Review status: criteria provided, single submitter. Criteria: Invitae Variant Classification Sherloc (09022015). Collection method: clinical testing. Allele origin: germline.
Comment: This sequence change replaces asparagine, which is neutral and polar, with aspartic acid, which is acidic and polar, at codon 345 of the CASR protein (p.Asn345Asp). This variant is present in population databases (rs760506005, gnomAD 0.004%). This variant has not been reported in the literature in individuals affected with CASR-related conditions. ClinVar contains an entry for this variant (Variation ID: 1361192). An algorithm developed to predict the effect of missense changes on protein structure and function (PolyPhen-2) suggests that this variant is likely to be tolerated. In summary, the available evidence is currently insufficient to determine the role of this variant in disease. Therefore, it has been classified as a Variant of Uncertain Significance.

Ambry Genetics
Classification: Uncertain significance for Nephrolithiasis/nephrocalcinosis. Last evaluated: 2023-11-02. Review status: criteria provided, single submitter. Criteria: Ambry Variant Classification Scheme 2023. Collection method: clinical testing. Allele origin: germline.
Comment: The p.N345D variant (also known as c.1033A>G), located in coding exon 3 of the CASR gene, results from an A to G substitution at nucleotide position 1033. The asparagine at codon 345 is replaced by aspartic acid, an amino acid with highly similar properties. This amino acid position is conserved. In addition, the in silico prediction for this alteration is inconclusive. Since supporting evidence is limited at this time, the clinical significance of this alteration remains unclear.

Revvity Omics, Revvity
Classification: Uncertain significance. Last evaluated: 2020-02-05. Review status: criteria provided, single submitter. Criteria: ACMG Guidelines, 2015. Collection method: clinical testing. Allele origin: germline.